The following is an entry in ClinVar:

ClinVar aggregate classification (germline): Uncertain significance (1 of 4 stars; one submission).

Submission:

Ambry Genetics
Classification: Uncertain significance. Last evaluated: 2026-04-13. Review status: criteria provided, single submitter. Criteria: Ambry Variant Classification Scheme 2023. Collection method: clinical testing. Allele origin: germline.
Comment: The p.T86A variant (also known as c.256A>G), located in coding exon 3 of the RAD51B gene, results from an A to G substitution at nucleotide position 256. The threonine at codon 86 is replaced by alanine, an amino acid with similar properties. This amino acid position is conserved. In addition, this alteration is predicted to be tolerated by in silico analysis. Based on the available evidence, the clinical significance of this variant remains unclear.

NM_133510.4(RAD51B):c.256A>G (p.Thr86Ala)

Gene: RAD51B (RAD51 paralog B; plus strand). Cytogenetic location: 14q24.1.
Variant type: single nucleotide variant.
Coding change: c.256A>G on transcript NM_133510.4 (MANE Select); coding-DNA position 256, A replaced by G.
Protein change: p.Thr86Ala; replaces threonine 86 with alanine.
Molecular consequence: missense variant. On other transcripts: 5 prime UTR variant (1).
Genome position (GRCh38, 1-based): chr14:67,835,137, A>G. VCF-style: chr14-67835137-A-G. GRCh37 (hg19) VCF-style: chr14-68301854-A-G.
Other names: c.256A>G, p.Thr86Ala (NM_001321809.2, NM_001321810.2, NM_001321812.1 and 6 more transcripts); c.142A>G, p.Thr48Ala (NM_001321815.1); c.-200A>G (NM_001321817.2); short protein forms T48A, T86A.
Identifiers: ClinVar variation 4862888 (VCV004862888.1).